The following is an entry in ClinVar:

ClinVar aggregate classification (germline): Uncertain significance (1 of 4 stars; one submission).

Conditions:
Autosomal dominant childhood-onset proximal spinal muscular atrophy with contractures (SMALED2A). Also called: Spinal muscular atrophy, lower extremity-predominant, 2A, autosomal dominant; SPINAL MUSCULAR ATROPHY, LOWER EXTREMITY-PREDOMINANT, 2A, CHILDHOOD ONSET, AUTOSOMAL DOMINANT. Identifiers: Orphanet 363447, Orphanet 363454, MedGen C4747715, MONDO:0014121, OMIM 615290.

Submission:

Labcorp Genetics (formerly Invitae), Labcorp
Classification: Uncertain significance for Autosomal dominant childhood-onset proximal spinal muscular atrophy with contractures. Last evaluated: 2022-05-04. Review status: criteria provided, single submitter. Criteria: Invitae Variant Classification Sherloc (09022015). Collection method: clinical testing. Allele origin: germline.
Comment: Advanced modeling of protein sequence and biophysical properties (such as structural, functional, and spatial information, amino acid conservation, physicochemical variation, residue mobility, and thermodynamic stability) performed at Invitae indicates that this missense variant is expected to disrupt BICD2 protein function. This variant has not been reported in the literature in individuals affected with BICD2-related conditions. This variant is not present in population databases (gnomAD no frequency). This sequence change replaces glutamic acid, which is acidic and polar, with lysine, which is basic and polar, at codon 772 of the BICD2 protein (p.Glu772Lys). In summary, the available evidence is currently insufficient to determine the role of this variant in disease. Therefore, it has been classified as a Variant of Uncertain Significance.

NM_001003800.2(BICD2):c.2314G>A (p.Glu772Lys)

Gene: BICD2 (BICD cargo adaptor 2; minus strand). Cytogenetic location: 9q22.31.
Variant type: single nucleotide variant.
Coding change: c.2314G>A on transcript NM_001003800.2 (MANE Select); coding-DNA position 2314, G replaced by A.
Protein change: p.Glu772Lys; replaces glutamic acid 772 with lysine.
Molecular consequence: missense variant.
Genome position (GRCh38, 1-based): chr9:92,715,408, C>T on the plus strand (G>A on the coding strand, the complement: BICD2 is on the minus strand). VCF-style: chr9-92715408-C-T. GRCh37 (hg19) VCF-style: chr9-95477690-C-T.
Other names: c.2314G>A, p.Glu772Lys (NM_015250.4); short protein forms E772K.
Identifiers: ClinVar variation 2133938 (VCV002133938.4), dbSNP rs2490434765, ClinGen allele CA374030534.